The following is an entry in ClinVar:

NM_001042492.3(NF1):c.3329T>A (p.Phe1110Tyr)

Gene: NF1 (neurofibromin 1; plus strand). Cytogenetic location: 17q11.2.
Variant type: single nucleotide variant.
Coding change: c.3329T>A on transcript NM_001042492.3 (MANE Select); coding-DNA position 3329, T replaced by A.
Protein change: p.Phe1110Tyr; replaces phenylalanine 1110 with tyrosine.
Molecular consequence: missense variant.
Genome position (GRCh38, 1-based): chr17:31,232,714, T>A. VCF-style: chr17-31232714-T-A. GRCh37 (hg19) VCF-style: chr17-29559732-T-A.
Other names: c.3329T>A, p.Phe1110Tyr (NM_000267.4); short protein forms F1110Y.
Identifiers: ClinVar variation 4615756 (VCV004615756.1).
Genomic context (GRCh38, chr17:31,232,714, plus strand): 5'-TTGATACGGCCTTCACTATGTAAAGGTCAGTCTTTTTATTTCTCAGATACTTCACATTAT[T>A]TATGAACCTTTTGAATGACTGCAGTGAAGTTGAAGATGAAAGTGCGCAAACAGGTGGCAG-3'
Protein context (NP_001035957.1, residues 1100-1120): SQLFLKYFTL[Phe1110Tyr]MNLLNDCSEV

ClinVar aggregate classification (germline): Uncertain significance (1 of 4 stars; one submission).

Conditions:
Cardiovascular phenotype. Identifiers: MedGen CN230736.
Hereditary cancer-predisposing syndrome. Also called: Neoplastic Syndromes, Hereditary; Tumor predisposition; Hereditary Cancer Syndrome; Hereditary neoplastic syndrome. Identifiers: Orphanet 140162, MedGen C0027672, MeSH D009386, MONDO:0015356.

Submission:

Ambry Genetics
Classification: Uncertain significance for Cardiovascular phenotype; Hereditary cancer-predisposing syndrome. Last evaluated: 2025-10-15. Review status: criteria provided, single submitter. Criteria: Ambry Variant Classification Scheme 2023. Collection method: clinical testing. Allele origin: germline.
Comment: The p.F1110Y variant (also known as c.3329T>A), located in coding exon 26 of the NF1 gene, results from a T to A substitution at nucleotide position 3329. The phenylalanine at codon 1110 is replaced by tyrosine, an amino acid with highly similar properties. This amino acid position is conserved. In addition, the in silico prediction for this alteration is inconclusive. Based on the available evidence, the clinical significance of this variant remains unclear.